The following is an entry in ClinVar:

NM_000321.3(RB1):c.2188G>C (p.Asp730His)

Gene: RB1 (RB transcriptional corepressor 1; plus strand). Cytogenetic location: 13q14.2.
Variant type: single nucleotide variant.
Coding change: c.2188G>C on transcript NM_000321.3 (MANE Select); coding-DNA position 2188, G replaced by C.
Protein change: p.Asp730His; replaces aspartic acid 730 with histidine.
Molecular consequence: missense variant.
Genome position (GRCh38, 1-based): chr13:48,463,812, G>C. VCF-style: chr13-48463812-G-C. GRCh37 (hg19) VCF-style: chr13-49037948-G-C.
Other names: c.2188G>C, p.Asp730His (NM_001407165.1); short protein forms D730H.
Identifiers: ClinVar variation 2787911 (VCV002787911.4), dbSNP rs766487603, ClinGen allele CA034359.

ClinVar aggregate classification (germline): Uncertain significance. Review status: criteria provided, multiple submitters, no conflicts (2 of 4 stars). 2 submissions from 2 submitters: Uncertain significance (2). Last evaluated 2025-06-25.

Conditions:
Retinoblastoma (RB1). Also called: RETINOBLASTOMA, SOMATIC. Identifiers: Orphanet 790, MedGen C0035335, MeSH D012175, MONDO:0008380, OMIM 180200, HP:0009919. Disease mechanism: loss of function. Inheritance: Both sporadic and heritable forms are tested..

Allele frequency attached by ClinVar (database versions not stated): ExAC 0.00001.
gnomAD v4.1: 4 of 1,604,706 alleles (0.00025%); highest among the groups gnomAD compares: Non-Finnish European, 0.00034%; no homozygotes.

Submissions (2):

Color Diagnostics, LLC DBA Color Health
Classification: Uncertain significance for Retinoblastoma. Last evaluated: 2025-06-25. Review status: criteria provided, single submitter. Criteria: ACMG Guidelines, 2015. Collection method: clinical testing. Allele origin: germline.
Comment: This missense variant replaces aspartic acid with histidine at codon 730 of the RB1 protein. Computational prediction is inconclusive regarding the impact of this variant on protein structure and function. To our knowledge, functional studies have not been reported for this variant. This variant has not been reported in individuals affected with RB1-related disorders in the literature. This variant has been identified in 1/250976 chromosomes in the general population by the Genome Aggregation Database (gnomAD). The available evidence is insufficient to determine the role of this variant in disease conclusively. Therefore, this variant is classified as a Variant of Uncertain Significance.

Labcorp Genetics (formerly Invitae), Labcorp
Classification: Uncertain significance for Retinoblastoma. Last evaluated: 2023-01-17. Review status: criteria provided, single submitter. Criteria: Invitae Variant Classification Sherloc (09022015). Collection method: clinical testing. Allele origin: germline.
Comment: This sequence change replaces aspartic acid, which is acidic and polar, with histidine, which is basic and polar, at codon 730 of the RB1 protein (p.Asp730His). This variant is present in population databases (rs766487603, gnomAD 0.0009%). This variant has not been reported in the literature in individuals affected with RB1-related conditions. Advanced modeling of protein sequence and biophysical properties (such as structural, functional, and spatial information, amino acid conservation, physicochemical variation, residue mobility, and thermodynamic stability) performed at Invitae indicates that this missense variant is not expected to disrupt RB1 protein function. In summary, the available evidence is currently insufficient to determine the role of this variant in disease. Therefore, it has been classified as a Variant of Uncertain Significance.